The following is an entry in ClinVar:

NM_001367624.2(ZNF469):c.11021C>T (p.Ala3674Val)

Gene: ZNF469 (zinc finger protein 469; plus strand). Cytogenetic location: 16q24.2.
Variant type: single nucleotide variant.
Coding change: c.11021C>T on transcript NM_001367624.2 (MANE Select); coding-DNA position 11021, C replaced by T.
Protein change: p.Ala3674Val; replaces alanine 3674 with valine.
Molecular consequence: missense variant.
Genome position (GRCh38, 1-based): chr16:88,438,491, C>T. VCF-style: chr16-88438491-C-T. GRCh37 (hg19) VCF-style: chr16-88504899-C-T.
Other names: NM_001127464.1:c.10937C>T; short protein forms A3674V.
Identifiers: ClinVar variation 1421738 (VCV001421738.7), dbSNP rs368960114, ClinGen allele CA8225571.

ClinVar aggregate classification (germline): Uncertain significance. Review status: criteria provided, multiple submitters, no conflicts (2 of 4 stars). 2 submissions from 2 submitters: Uncertain significance (2). Last evaluated 2025-04-03.

Conditions:
Cardiovascular phenotype. Identifiers: MedGen CN230736.

Allele frequency attached by ClinVar (database versions not stated): gnomAD exomes 0.00001 and 0.00002; ExAC 0.00006; gnomAD 0.00011 and 0.00013; TOPMed 0.00015.
gnomAD v4.1: 44 of 1,550,080 alleles (0.0028%); highest among the groups gnomAD compares: African/African-American, 0.041%; no homozygotes.

Submissions (2):

Labcorp Genetics (formerly Invitae), Labcorp
Classification: Uncertain significance. Last evaluated: 2025-04-03. Review status: criteria provided, single submitter. Criteria: Invitae Variant Classification Sherloc (09022015). Collection method: clinical testing. Allele origin: germline.
Comment: This sequence change replaces alanine, which is neutral and non-polar, with valine, which is neutral and non-polar, at codon 3646 of the ZNF469 protein (p.Ala3646Val). This variant is present in population databases (rs368960114, gnomAD 0.04%). This variant has not been reported in the literature in individuals affected with ZNF469-related conditions. ClinVar contains an entry for this variant (Variation ID: 1421738). An algorithm developed to predict the effect of missense changes on protein structure and function (PolyPhen-2) suggests that this variant is likely to be tolerated. In summary, the available evidence is currently insufficient to determine the role of this variant in disease. Therefore, it has been classified as a Variant of Uncertain Significance.

Ambry Genetics
Classification: Uncertain significance for Cardiovascular phenotype. Last evaluated: 2021-12-07. Review status: criteria provided, single submitter. Criteria: Ambry Variant Classification Scheme 2023. Collection method: clinical testing. Allele origin: germline.